The following is an entry in ClinVar:

NM_001206979.2(NR1H4):c.1079-10T>C

Gene: NR1H4 (nuclear receptor subfamily 1 group H member 4; plus strand). Cytogenetic location: 12q23.1.
Variant type: single nucleotide variant.
Coding change: c.1079-10T>C on transcript NM_001206979.2 (MANE Select); 10 bases into the intron before coding-DNA position 1079, T replaced by C.
Molecular consequence: intron variant.
Genome position (GRCh38, 1-based): chr12:100,561,875, T>C. VCF-style: chr12-100561875-T-C. GRCh37 (hg19) VCF-style: chr12-100955653-T-C.
Other names: c.1079-10T>C (NM_001206977.2); c.1067-10T>C (NM_005123.4); c.926-10T>C (NM_001206978.2); c.1109-10T>C (NM_001206993.2); c.1097-10T>C (NM_001206992.2).
Identifiers: ClinVar variation 3028937 (VCV003028937.2), dbSNP rs759597239, ClinGen allele CA6739420.

ClinVar aggregate classification (germline): Likely benign (0 of 4 stars; one submission).

Conditions:
NR1H4-related disorder. Also called: NR1H4-related condition.

Allele frequency attached by ClinVar (database versions not stated): gnomAD exomes 0.00001; gnomAD 0.00002; ExAC 0.00003; TOPMed 0.00005.
gnomAD v4.1: 8 of 1,070,894 alleles (0.00075%); highest among the groups gnomAD compares: East Asian, 0.019%; no homozygotes.

Submission:

PreventionGenetics, part of Exact Sciences
Classification: Likely benign for NR1H4-related condition. Last evaluated: 2021-05-27. Review status: no assertion criteria provided. Collection method: clinical testing. Allele origin: germline.
Comment: This variant is classified as likely benign based on ACMG/AMP sequence variant interpretation guidelines (Richards et al. 2015 PMID: 25741868, with internal and published modifications).